The following is an entry in ClinVar:

NM_025114.4(CEP290):c.-28+15G>A

Gene: CEP290 (centrosomal protein 290; minus strand). Cytogenetic location: 12q21.32.
Variant type: single nucleotide variant.
Coding change: c.-28+15G>A on transcript NM_025114.4 (MANE Select); 15 bases into the intron after 28 bases upstream of the start codon, G replaced by A.
Molecular consequence: intron variant.
Genome position (GRCh38, 1-based): chr12:88,141,885, C>T on the plus strand (G>A on the coding strand, the complement: CEP290 is on the minus strand). VCF-style: chr12-88141885-C-T. GRCh37 (hg19) VCF-style: chr12-88535662-C-T.
Identifiers: ClinVar variation 512426 (VCV000512426.1), dbSNP rs1555230267, ClinGen allele CA658797945.

ClinVar aggregate classification (germline): Likely benign (1 of 4 stars; one submission).

Submission:

GeneDx
Classification: Likely benign. Last evaluated: 2017-10-12. Review status: criteria provided, single submitter. Criteria: GeneDx Variant Classification (06012015). Collection method: clinical testing. Allele origin: germline. Affected: yes.
Comment: This variant is considered likely benign or benign based on one or more of the following criteria: it is a conservative change, it occurs at a poorly conserved position in the protein, it is predicted to be benign by multiple in silico algorithms, and/or has population frequency not consistent with disease.